The following is an entry in ClinVar:

ClinVar aggregate classification (germline): Likely pathogenic (1 of 4 stars; one submission).

Conditions:
Premature ovarian failure 20 (POF20). Identifiers: MedGen C5677011, MONDO:0030975, OMIM 619938.
Spermatogenic failure 2. Also called: ASPERMIOGENESIS FACTOR; SPGF2. Identifiers: MedGen C1862459, MONDO:0007161, OMIM 108420.

Submission:

First Genomix Gene Laboratory, Genetic Diagnostics Department
Classification: Likely pathogenic for Premature ovarian failure 20; Spermatogenic failure 2. Last evaluated: 2025-09-08. Review status: criteria provided, single submitter. Criteria: ACMG Guidelines, 2015. Collection method: clinical testing. Allele origin: germline. Inheritance: Autosomal recessive inheritance. Affected: no. Observed: 1 variant allele.

NM_002440.4(MSH4):c.232del (p.Arg78fs)

Gene: MSH4 (mutS homolog 4; plus strand). Cytogenetic location: 1p31.1.
Variant type: Deletion.
Coding change: c.232del on transcript NM_002440.4 (MANE Select); coding-DNA position 232, one base deleted (C; older notation c.232delC).
Protein change: p.Arg78fs; shifts the reading frame from arginine 78.
Molecular consequence: frameshift variant.
Genome position (GRCh38, 1-based): chr1:75,797,217, C deleted; the last of 3 consecutive C bases (chr1:75,797,215-75,797,217); deleting any one gives the same sequence. VCF-style (leftmost placement, unchanged base first): chr1-75797214-TC-T. GRCh37 (hg19) VCF-style: chr1-76262899-TC-T.
Other names: short protein forms R78fs.
Identifiers: ClinVar variation 4850265 (VCV004850265.1).
Genomic context (GRCh38, chr1:75,797,214, plus strand): 5'-TCAGGAGCTGCGGGCGACCGGAGCAGCAGCAGCAGCAGCCTTCCCTGCCCCGCGCCAAAC[TC>T]CCGGCCAGCTCAAGGCAAGGAGTGATTGGGTGGAGGAGTCTCCTTGAGGCTAGAGGCCGG-3'